The following is an entry in ClinVar:

NM_002087.4(GRN):c.1414-1G>T

Gene: GRN (granulin precursor; plus strand). Cytogenetic location: 17q21.31.
Variant type: single nucleotide variant.
Coding change: c.1414-1G>T on transcript NM_002087.4 (MANE Select); the canonical splice acceptor site of the intron before coding-DNA position 1414, G replaced by T.
Molecular consequence: splice acceptor variant.
Genome position (GRCh38, 1-based): chr17:44,352,340, G>T. VCF-style: chr17-44352340-G-T. GRCh37 (hg19) VCF-style: chr17-42429708-G-T.
Identifiers: ClinVar variation 3759447 (VCV003759447.3).

ClinVar aggregate classification (germline): Pathogenic. Review status: criteria provided, multiple submitters, no conflicts (2 of 4 stars). 2 submissions from 2 submitters: Pathogenic (2). Last evaluated 2025-12-17.

Conditions:
Neuronal ceroid lipofuscinosis 11. Also called: GRN-Related Neuronal Ceroid-Lipofuscinosis. Identifiers: Orphanet 314629, Orphanet 79262, MedGen C3539123, MONDO:0013866, OMIM 614706.
GRN-related frontotemporal lobar degeneration with Tdp43 inclusions (FTD2). Also called: DEMENTIA, HEREDITARY DYSPHASIC DISINHIBITION; FRONTOTEMPORAL LOBAR DEGENERATION WITH UBIQUITIN-POSITIVE INCLUSIONS; FTLD-TDP, GRN-RELATED; GRN Frontotemporal Dementia; FRONTOTEMPORAL DEMENTIA WITH TDP43 INCLUSIONS, GRN-RELATED. Identifiers: Orphanet 100070, Orphanet 282, MedGen C1843792, MONDO:0011842, OMIM 607485. Disease mechanism: loss of function.

Submissions (2):

3billion
Classification: Pathogenic for Neuronal ceroid lipofuscinosis 11. Last evaluated: 2025-12-17. Review status: criteria provided, single submitter. Criteria: ACMG Guidelines, 2015. Collection method: clinical testing. Allele origin: germline. Affected: yes.
Comment: The variant is not observed in the gnomAD v4.1.0 dataset. Predicted Consequence/Location: Canonical splice site: predicted to alter splicing and result in a loss or disruption of normal protein function. Multiple pathogenic loss-of-function variants are reported downstream of the variant. In silico tools predict the variant to alter splicing and produce an abnormal transcript [SpliceAI: 1.00 (spliceogenicity >=0.2, non-spliceogenicity <0.1)]. The variant has been reported to be associated with GRN-related disorder (ClinVar ID: VCV003759447). Therefore, this variant is classified as Pathogenic according to the recommendation of ACMG/AMP guideline.

Labcorp Genetics (formerly Invitae), Labcorp
Classification: Pathogenic for Neuronal ceroid lipofuscinosis 11; GRN-related frontotemporal lobar degeneration with Tdp43 inclusions. Last evaluated: 2024-10-09. Review status: criteria provided, single submitter. Criteria: Invitae Variant Classification Sherloc (09022015). Collection method: clinical testing. Allele origin: germline.
Comment: This sequence change affects an acceptor splice site in intron 11 of the GRN gene. It is expected to disrupt RNA splicing. Variants that disrupt the donor or acceptor splice site typically lead to a loss of protein function (PMID: 16199547), and loss-of-function variants in GRN are known to be pathogenic (PMID: 16862116, 16950801, 22608501). This variant is not present in population databases (gnomAD no frequency). Disruption of this splice site has been observed in individual(s) with Alzheimer's disease and/or frontotemporal dementia (PMID: 20142524, 22312439). It has also been observed to segregate with disease in related individuals. Algorithms developed to predict the effect of sequence changes on RNA splicing suggest that this variant may disrupt the consensus splice site. For these reasons, this variant has been classified as Pathogenic.

Literature cited by the submitters: PubMed 16199547 (cited by Labcorp Genetics (formerly Invitae), Labcorp); PubMed 16862116 (cited by Labcorp Genetics (formerly Invitae), Labcorp); PubMed 16950801 (cited by Labcorp Genetics (formerly Invitae), Labcorp); PubMed 22608501 (cited by Labcorp Genetics (formerly Invitae), Labcorp); PubMed 20142524 (cited by Labcorp Genetics (formerly Invitae), Labcorp); PubMed 22312439 (cited by Labcorp Genetics (formerly Invitae), Labcorp).